The following is an entry in ClinVar:

NM_000784.4(CYP27A1):c.559A>G (p.Thr187Ala)

Gene: CYP27A1 (cytochrome P450 family 27 subfamily A member 1; plus strand). Cytogenetic location: 2q35.
Variant type: single nucleotide variant.
Coding change: c.559A>G on transcript NM_000784.4 (MANE Select); coding-DNA position 559, A replaced by G.
Protein change: p.Thr187Ala; replaces threonine 187 with alanine.
Molecular consequence: missense variant.
Genome position (GRCh38, 1-based): chr2:218,812,334, A>G. VCF-style: chr2-218812334-A-G. GRCh37 (hg19) VCF-style: chr2-219677057-A-G.
Other names: short protein forms T187A.
Identifiers: ClinVar variation 1748525 (VCV001748525.5), dbSNP rs2470226546, ClinGen allele CA350585192.
Genomic context (GRCh38, chr2:218,812,334, plus strand): 5'-AAGCCAGCGGAAGCAGCGCTCTATACGGATGCTTTCAATGAGGTGATTGATGACTTTATG[A>G]CTCGACTGGACCAGCTGCGGGCAGAGAGTGCTTCGGGGAACCAGGTGTCGGACATGGCTC-3'
Protein context (NP_000775.1, residues 177-197): AFNEVIDDFM[Thr187Ala]RLDQLRAESA

ClinVar aggregate classification (germline): Uncertain significance. Review status: criteria provided, multiple submitters, no conflicts (2 of 4 stars). 3 submissions from 3 submitters: Uncertain significance (3). Last evaluated 2025-06-23.

Conditions:
Cholestanol storage disease (CTX). Also called: CEREBRAL CHOLESTERINOSIS; CTX: Cerebrotendinous xanthomatosis; Cerebrotendinous Xanthomatosis. Identifiers: Orphanet 909, MedGen C0238052, MONDO:0008948, OMIM 213700.
CYP27A1-related disorder. Also called: CYP27A1-related condition.
Cardiovascular phenotype. Identifiers: MedGen CN230736.

gnomAD v4.1: 3 of 1,614,066 alleles (0.00019%); no homozygotes.

Submissions (3):

PreventionGenetics, part of Exact Sciences
Classification: Uncertain significance for CYP27A1-related condition. Last evaluated: 2025-06-23. Review status: criteria provided, single submitter. Criteria: ACMG Guidelines, 2015. Collection method: clinical testing. Allele origin: germline.
Comment: The CYP27A1 c.559A>G variant is predicted to result in the amino acid substitution p.Thr187Ala. To our knowledge, this variant has not been reported in the literature or in a large population database (gnomAD), indicating this variant is rare. At this time, the clinical significance of this variant is uncertain due to the absence of conclusive functional and genetic evidence.

Ambry Genetics
Classification: Uncertain significance for Cardiovascular phenotype. Last evaluated: 2022-03-09. Review status: criteria provided, single submitter. Criteria: Ambry Variant Classification Scheme 2023. Collection method: clinical testing. Allele origin: germline.
Comment: The p.T187A variant (also known as c.559A>G), located in coding exon 3 of the CYP27A1 gene, results from an A to G substitution at nucleotide position 559. The threonine at codon 187 is replaced by alanine, an amino acid with similar properties. This amino acid position is conserved. In addition, this alteration is predicted to be tolerated by in silico analysis. Since supporting evidence is limited at this time, the clinical significance of this alteration remains unclear.

Labcorp Genetics (formerly Invitae), Labcorp
Classification: Uncertain significance for Cholestanol storage disease. Last evaluated: 2021-10-03. Review status: criteria provided, single submitter. Criteria: Invitae Variant Classification Sherloc (09022015). Collection method: clinical testing. Allele origin: germline.
Comment: This sequence change replaces threonine with alanine at codon 187 of the CYP27A1 protein (p.Thr187Ala). The threonine residue is weakly conserved and there is a small physicochemical difference between threonine and alanine. This variant is not present in population databases (ExAC no frequency). This variant has not been reported in the literature in individuals affected with CYP27A1-related conditions. Algorithms developed to predict the effect of missense changes on protein structure and function output the following: SIFT: "Tolerated"; PolyPhen-2: "Benign"; Align-GVGD: "Class C0". The alanine amino acid residue is found in multiple mammalian species, which suggests that this missense change does not adversely affect protein function. In summary, the available evidence is currently insufficient to determine the role of this variant in disease. Therefore, it has been classified as a Variant of Uncertain Significance.